The following is an entry in ClinVar:

NM_001278116.2(L1CAM):c.2852A>G (p.Tyr951Cys)

Gene: L1CAM (L1 cell adhesion molecule; minus strand). Cytogenetic location: Xq28.
Variant type: single nucleotide variant.
Coding change: c.2852A>G on transcript NM_001278116.2 (MANE Select); coding-DNA position 2852, A replaced by G.
Protein change: p.Tyr951Cys; replaces tyrosine 951 with cysteine.
Molecular consequence: missense variant.
Genome position (GRCh38, 1-based): chrX:153,865,108, T>C on the plus strand (A>G on the coding strand, the complement: L1CAM is on the minus strand). VCF-style: chrX-153865108-T-C. GRCh37 (hg19) VCF-style: chrX-153130563-T-C.
Other names: c.2852A>G, p.Tyr951Cys (NM_000425.5, NM_024003.3); c.2837A>G, p.Tyr946Cys (NM_001143963.2); c.2852A>G (NM_000425.4); short protein forms Y946C, Y951C.
Identifiers: ClinVar variation 2045420 (VCV002045420.6), dbSNP rs2520972067, ClinGen allele CA415114696.

ClinVar aggregate classification (germline): Uncertain significance. Review status: criteria provided, multiple submitters, no conflicts (2 of 4 stars). 2 submissions from 2 submitters: Uncertain significance (2). Last evaluated 2024-10-30.

Conditions:
Spastic paraplegia. Identifiers: MedGen C0037772, HP:0001258.

Submissions (2):

Labcorp Genetics (formerly Invitae), Labcorp
Classification: Uncertain significance for Spastic paraplegia. Last evaluated: 2024-10-30. Review status: criteria provided, single submitter. Criteria: Invitae Variant Classification Sherloc (09022015). Collection method: clinical testing. Allele origin: germline.
Comment: This sequence change replaces tyrosine, which is neutral and polar, with cysteine, which is neutral and slightly polar, at codon 951 of the L1CAM protein (p.Tyr951Cys). This variant is not present in population databases (gnomAD no frequency). This variant has not been reported in the literature in individuals affected with L1CAM-related conditions. ClinVar contains an entry for this variant (Variation ID: 2045420). Invitae Evidence Modeling of protein sequence and biophysical properties (such as structural, functional, and spatial information, amino acid conservation, physicochemical variation, residue mobility, and thermodynamic stability) indicates that this missense variant is expected to disrupt L1CAM protein function with a positive predictive value of 80%. In summary, the available evidence is currently insufficient to determine the role of this variant in disease. Therefore, it has been classified as a Variant of Uncertain Significance.

Revvity Omics, Revvity
Classification: Uncertain significance. Last evaluated: 2023-11-08. Review status: criteria provided, single submitter. Criteria: ACMG Guidelines, 2015. Collection method: clinical testing. Allele origin: germline.